The following is an entry in ClinVar:

NM_004519.4(KCNQ3):c.45_62del (p.Asp17_Gly22del)

Gene: KCNQ3 (potassium voltage-gated channel subfamily Q member 3; minus strand). Cytogenetic location: 8q24.22.
Variant type: Deletion.
Coding change: c.45_62del on transcript NM_004519.4 (MANE Select); coding-DNA positions 45 to 62, 18 bases deleted (CGGCGACGGGGGCGGCGG).
Protein change: p.Asp17_Gly22del.
Molecular consequence: inframe deletion.
Genome position (GRCh38, 1-based): chr8:132,480,471-132,480,488, CCGCCGCCCCCGTCGCCG deleted on the plus strand (CGGCGACGGGGGCGGCGG on the coding strand, the reverse complement: KCNQ3 is on the minus strand); deleting any 18 consecutive bases within chr8:132,480,471-132,480,496 gives the same sequence; the c. name uses the placement nearest the transcript's 3' end. VCF-style (leftmost placement, unchanged base first): chr8-132480470-TCCGCCGCCCCCGTCGCCG-T. GRCh37 (hg19) VCF-style: chr8-133492717-TCCGCCGCCCCCGTCGCCG-T.
Identifiers: ClinVar variation 1372735 (VCV001372735.6), dbSNP rs1822526793, ClinGen allele CA1820786217.

ClinVar aggregate classification (germline): Uncertain significance (1 of 4 stars; one submission).

Conditions:
Benign neonatal seizures. Also called: Benign neonatal familial convulsions; Benign familial neonatal epilepsy; Benign familial neonatal seizures; Convulsions benign familial neonatal dominant form; Autosomal dominant form of benign neonatal seizures. Identifiers: Orphanet 1949, MedGen C0220669, MONDO:0016027.

Submission:

Labcorp Genetics (formerly Invitae), Labcorp
Classification: Uncertain significance for Benign neonatal seizures. Last evaluated: 2024-02-05. Review status: criteria provided, single submitter. Criteria: Invitae Variant Classification Sherloc (09022015). Collection method: clinical testing. Allele origin: germline.
Comment: This variant, c.45_62del, results in the deletion of 6 amino acid(s) of the KCNQ3 protein (p.Asp17_Gly22del), but otherwise preserves the integrity of the reading frame. This variant is not present in population databases (gnomAD no frequency). This variant has not been reported in the literature in individuals affected with KCNQ3-related conditions. ClinVar contains an entry for this variant (Variation ID: 1372735). Experimental studies and prediction algorithms are not available or were not evaluated, and the functional significance of this variant is currently unknown. In summary, the available evidence is currently insufficient to determine the role of this variant in disease. Therefore, it has been classified as a Variant of Uncertain Significance.